The following is an entry in ClinVar:

NM_022042.4(SLC26A1):c.962G>A (p.Gly321Asp)

Genes: IDUA (alpha-L-iduronidase; plus strand), SLC26A1 (solute carrier family 26 member 1; minus strand). Cytogenetic location: 4p16.3.
Variant type: single nucleotide variant.
Coding change: c.962G>A on transcript NM_022042.4 (MANE Select); coding-DNA position 962, G replaced by A.
Protein change: p.Gly321Asp; replaces glycine 321 with aspartic acid.
Molecular consequence: missense variant. On other transcripts: intron variant (2).
Genome position (GRCh38, 1-based): chr4:989,977, C>T on the plus strand (G>A on the coding strand, the complement: SLC26A1 is on the minus strand). VCF-style: chr4-989977-C-T. GRCh37 (hg19) VCF-style: chr4-983765-C-T.
Other names: c.962G>A, p.Gly321Asp (NM_213613.4); c.576+1151G>A (NM_134425.4); c.299+2028C>T (NM_000203.5); short protein forms G321D.
Identifiers: ClinVar variation 1924466 (VCV001924466.5), dbSNP rs1458042458, ClinGen allele CA355954068.

ClinVar aggregate classification (germline): Uncertain significance (1 of 4 stars; one submission).

Allele frequency attached by ClinVar (database versions not stated): TOPMed below 0.00001; gnomAD exomes 0.00001.
gnomAD v4.1: 6 of 1,557,966 alleles (0.00039%); highest among the groups gnomAD compares: Admixed American, 0.0057%; no homozygotes.

Submission:

Labcorp Genetics (formerly Invitae), Labcorp
Classification: Uncertain significance. Last evaluated: 2022-06-14. Review status: criteria provided, single submitter. Criteria: Invitae Variant Classification Sherloc (09022015). Collection method: clinical testing. Allele origin: germline.
Comment: This sequence change replaces glycine, which is neutral and non-polar, with aspartic acid, which is acidic and polar, at codon 321 of the SLC26A1 protein (p.Gly321Asp). The frequency data for this variant in the population databases is considered unreliable, as metrics indicate poor data quality at this position in the gnomAD database. This variant has not been reported in the literature in individuals affected with SLC26A1-related conditions. Algorithms developed to predict the effect of missense changes on protein structure and function (SIFT, PolyPhen-2, Align-GVGD) all suggest that this variant is likely to be disruptive. In summary, the available evidence is currently insufficient to determine the role of this variant in disease. Therefore, it has been classified as a Variant of Uncertain Significance.